The following is an entry in ClinVar:

NM_000535.7(PMS2):c.1744_1745del (p.Glu582fs)

Gene: PMS2 (PMS1 homolog 2, mismatch repair system component; minus strand). Cytogenetic location: 7p22.1.
Variant type: Deletion.
Coding change: c.1744_1745del on transcript NM_000535.7 (MANE Select); coding-DNA positions 1744 to 1745, 2 bases deleted (GA; older notation c.1744_1745delGA).
Protein change: p.Glu582fs; shifts the reading frame from glutamic acid 582.
Molecular consequence: frameshift variant. On other transcripts: non-coding transcript variant (1).
Genome position (GRCh38, 1-based): chr7:5,987,020-5,987,021, TC deleted on the plus strand (GA on the coding strand, the reverse complement: PMS2 is on the minus strand); deleting any 2 consecutive bases within chr7:5,987,020-5,987,022 gives the same sequence; the c. name uses the placement nearest the transcript's 3' end. VCF-style (leftmost placement, unchanged base first): chr7-5987019-TTC-T. GRCh37 (hg19) VCF-style: chr7-6026650-TTC-T.
Other names: c.1744_1745delGA (NM_000535.5); c.1339_1340del, p.Glu447fs (NM_001322003.2, NM_001322004.2, NM_001322005.2 and 1 more transcripts); c.1588_1589del, p.Glu530fs (NM_001322006.2); c.1426_1427del, p.Glu476fs (NM_001322007.2, NM_001322008.2); c.1183_1184del, p.Glu395fs (NM_001322010.2); c.811_812del, p.Glu271fs (NM_001322011.2, NM_001322012.2); c.1171_1172del, p.Glu391fs (NM_001322013.2); c.1744_1745del, p.Glu582fs (NM_001322014.2); and 1 more; short protein forms E582fs, E271fs, E447fs, E391fs, E530fs, E395fs, E476fs, E479fs.
Identifiers: ClinVar variation 962358 (VCV000962358.10), dbSNP rs1782992250, ClinGen allele CA1139659554.
Genomic context (GRCh38, chr7:5,987,019, plus strand): 5'-GGCTGACATGTCCTGAGTATTTACTAACTTTTGACAAATGTCAGAACTGGAAAGAATTTC[TTC>T]TTTTTTAAAACGCTTTGTGTTTGGGGTTGCGAGATTAGTTGGCTGAGGCAAAACTCGAAA-3'

ClinVar aggregate classification (germline): Pathogenic. Review status: criteria provided, multiple submitters, no conflicts (2 of 4 stars). 2 submissions from 2 submitters: Pathogenic (2). Last evaluated 2022-06-29.

Conditions:
Hereditary nonpolyposis colorectal neoplasms. Identifiers: MedGen C0009405, MeSH D003123.
Hereditary cancer-predisposing syndrome. Also called: Tumor predisposition; Hereditary neoplastic syndrome; Hereditary Cancer Syndrome; Neoplastic Syndromes, Hereditary. Identifiers: Orphanet 140162, MedGen C0027672, MeSH D009386, MONDO:0015356.

Submissions (2):

Ambry Genetics
Classification: Pathogenic for Hereditary cancer-predisposing syndrome. Last evaluated: 2022-06-29. Review status: criteria provided, single submitter. Criteria: Ambry Variant Classification Scheme 2023. Collection method: clinical testing. Allele origin: germline.
Comment: The c.1744_1745delGA pathogenic mutation, located in coding exon 11 of the PMS2 gene, results from a deletion of two nucleotides at nucleotide positions 1744 to 1745, causing a translational frameshift with a predicted alternate stop codon (p.E582Rfs*7). This variant is considered to be rare based on population cohorts in the Genome Aggregation Database (gnomAD). This alteration is expected to result in loss of function by premature protein truncation or nonsense-mediated mRNA decay. As such, this alteration is interpreted as a disease-causing mutation.

Labcorp Genetics (formerly Invitae), Labcorp
Classification: Pathogenic for Hereditary nonpolyposis colorectal neoplasms. Last evaluated: 2019-07-24. Review status: criteria provided, single submitter. Criteria: Invitae Variant Classification Sherloc (09022015). Collection method: clinical testing. Allele origin: germline.
Comment: For these reasons, this variant has been classified as Pathogenic. Loss-of-function variants in PMS2 are known to be pathogenic (PMID: 21376568, 24362816). This variant has not been reported in the literature in individuals with PMS2-related conditions. This variant is not present in population databases (ExAC no frequency). This sequence change creates a premature translational stop signal (p.Glu582Argfs*7) in the PMS2 gene. It is expected to result in an absent or disrupted protein product.

Literature cited by the submitters: PubMed 21376568 (cited by Labcorp Genetics (formerly Invitae), Labcorp); PubMed 24362816 (cited by Labcorp Genetics (formerly Invitae), Labcorp).